The following is an entry in ClinVar:

ClinVar aggregate classification (germline): Uncertain significance (1 of 4 stars; one submission).

Submission:

Labcorp Genetics (formerly Invitae), Labcorp
Classification: Uncertain significance. Last evaluated: 2018-08-29. Review status: criteria provided, single submitter. Criteria: Invitae Variant Classification Sherloc (09022015). Collection method: clinical testing. Allele origin: germline.
Comment: In summary, the available evidence is currently insufficient to determine the role of this variant in disease. Therefore, it has been classified as a Variant of Uncertain Significance. Algorithms developed to predict the effect of missense changes on protein structure and function (SIFT, PolyPhen-2, Align-GVGD) all suggest that this variant is likely to be tolerated, but these predictions have not been confirmed by published functional studies and their clinical significance is uncertain. This variant has not been reported in the literature in individuals with MTOR-related disease. This variant is not present in population databases (ExAC no frequency). This sequence change replaces valine with leucine at codon 1772 of the MTOR protein (p.Val1772Leu). The valine residue is moderately conserved and there is a small physicochemical difference between valine and leucine.

NM_004958.4(MTOR):c.5314G>C (p.Val1772Leu)

Gene: MTOR (mechanistic target of rapamycin kinase; minus strand). Cytogenetic location: 1p36.22.
Variant type: single nucleotide variant.
Coding change: c.5314G>C on transcript NM_004958.4 (MANE Select); coding-DNA position 5314, G replaced by C.
Protein change: p.Val1772Leu; replaces valine 1772 with leucine.
Molecular consequence: missense variant.
Genome position (GRCh38, 1-based): chr1:11,133,130, C>G on the plus strand (G>C on the coding strand, the complement: MTOR is on the minus strand). VCF-style: chr1-11133130-C-G. GRCh37 (hg19) VCF-style: chr1-11193187-C-G.
Other names: c.5314G>C (LRG_734t1); short protein forms V1772L.
Identifiers: ClinVar variation 664172 (VCV000664172.8), dbSNP rs1570954328, ClinGen allele CA338399875.
Genomic context (GRCh38, chr1:11,133,130, plus strand): 5'-TTCTGATCACCTTGTACCAGCTGCGGTCGTGCTCTGTGGCGGCGCTGTAGTACTGCAGCA[C>G]TTTGGGGATTGTGCTCTCATTGATGCCCTGTAGATTCAGCTGCCACTCTCCAAGTTTCAG-3'
Protein context (NP_004949.1, residues 1762-1782): QGINESTIPK[Val1772Leu]LQYYSAATEH